The following is an entry in ClinVar:

NM_005228.5(EGFR):c.3013G>C (p.Glu1005Gln)

Gene: EGFR (epidermal growth factor receptor; plus strand). Cytogenetic location: 7p11.2.
Variant type: single nucleotide variant.
Coding change: c.3013G>C on transcript NM_005228.5 (MANE Select); coding-DNA position 3013, G replaced by C.
Protein change: p.Glu1005Gln; replaces glutamic acid 1005 with glutamine.
Molecular consequence: missense variant.
Genome position (GRCh38, 1-based): chr7:55,201,254, G>C. VCF-style: chr7-55201254-G-C. GRCh37 (hg19) VCF-style: chr7-55268947-G-C.
Other names: c.3013G>C (NM_005228.4); c.2878G>C, p.Glu960Gln (NM_001346897.2, NM_001346899.2); c.3013G>C, p.Glu1005Gln (NM_001346898.2); c.2854G>C, p.Glu952Gln (NM_001346900.2); c.2212G>C, p.Glu738Gln (NM_001346941.2); short protein forms E738Q, E960Q, E1005Q, E952Q.
Identifiers: ClinVar variation 1352687 (VCV001352687.4), dbSNP rs2128971601, ClinGen allele CA367582478.

ClinVar aggregate classification (germline): Uncertain significance. Review status: criteria provided, single submitter (1 of 4 stars). 2 submissions from 2 submitters: Uncertain significance (1). 1 of the submissions does not count toward it. Last evaluated 2022-06-04.

Conditions:
EGFR-related disorder. Also called: EGFR-related condition.
EGFR-related lung cancer (EGFR). Identifiers: MedGen CN130014.

gnomAD v4.1: 1 of 1,614,184 alleles (0.000062%); highest among the groups gnomAD compares: Non-Finnish European, 0.000085%; no homozygotes.

Submissions (2):

Labcorp Genetics (formerly Invitae), Labcorp
Classification: Uncertain significance for EGFR-related lung cancer. Last evaluated: 2022-06-04. Review status: criteria provided, single submitter. Criteria: Invitae Variant Classification Sherloc (09022015). Collection method: clinical testing. Allele origin: germline.
Comment: This sequence change replaces glutamic acid, which is acidic and polar, with glutamine, which is neutral and polar, at codon 1005 of the EGFR protein (p.Glu1005Gln). This variant is not present in population databases (gnomAD no frequency). This variant has not been reported in the literature in individuals affected with EGFR-related conditions. ClinVar contains an entry for this variant (Variation ID: 1352687). Algorithms developed to predict the effect of missense changes on protein structure and function (SIFT, PolyPhen-2, Align-GVGD) all suggest that this variant is likely to be tolerated. In summary, the available evidence is currently insufficient to determine the role of this variant in disease. Therefore, it has been classified as a Variant of Uncertain Significance.

PreventionGenetics, part of Exact Sciences
Classification: Uncertain significance for EGFR-related condition. Last evaluated: 2024-03-21. Review status: no assertion criteria provided. Collection method: clinical testing. Allele origin: germline. Not counted in ClinVar's aggregate classification.
Comment: The EGFR c.3013G>C variant is predicted to result in the amino acid substitution p.Glu1005Gln. To our knowledge, this variant has not been reported in the literature or in a large population database, indicating this variant is rare. At this time, the clinical significance of this variant is uncertain due to the absence of conclusive functional and genetic evidence.